The following is an entry in ClinVar:

NM_017837.4(PIGV):c.348G>A (p.Leu116=)

Gene: PIGV (phosphatidylinositol glycan anchor biosynthesis class V; plus strand). Cytogenetic location: 1p36.11.
Variant type: single nucleotide variant.
Coding change: c.348G>A on transcript NM_017837.4 (MANE Select); coding-DNA position 348, G replaced by A.
Protein change: p.Leu116=; no amino-acid change (leucine 116 retained).
Molecular consequence: synonymous variant. On other transcripts: 5 prime UTR variant (1), non-coding transcript variant (1), intron variant (3).
Genome position (GRCh38, 1-based): chr1:26,794,382, G>A. VCF-style: chr1-26794382-G-A. GRCh37 (hg19) VCF-style: chr1-27120873-G-A.
Other names: c.348G>A, p.Leu116= (NM_001202554.2, NM_001374478.1, NM_001374480.1 and 2 more transcripts); c.-34G>A (NM_001374483.1); c.172+176G>A (NM_001374484.1, NM_001374485.1); c.79-3181G>A (NM_001374486.1).
Identifiers: ClinVar variation 297115 (VCV000297115.57), dbSNP rs148662665, ClinGen allele CA708043.
Genomic context (GRCh38, chr1:26,794,382, plus strand): 5'-GGTGGGGACTGAACTGTTGAGACCCTTACGGGGGTTACTGAGTCTACGCAGTTGCCTGCT[G>A]ATTTCGGTAGCATCACTCAATTTCTTGTTCTTCATGTTGGCTGCAGTTGCACTTCATGAC-3'
Protein context (NP_060307.2, residues 106-126): RGLLSLRSCL[Leu116=]ISVASLNFLF

ClinVar aggregate classification (germline): Conflicting classifications of pathogenicity. Review status: criteria provided, conflicting classifications (1 of 4 stars). 7 submissions from 7 submitters: Uncertain significance (1); Benign (1); Likely benign (4). 1 of the submissions does not count toward it. Last evaluated 2024-11-13.

Conditions:
PIGV-related disorder. Also called: PIGV-related disorders; PIGV-related condition.
Hyperphosphatasia with impaired intellectual development syndrome 1. Also called: MABRY SYNDROME; GLYCOSYLPHOSPHATIDYLINOSITOL BIOSYNTHESIS DEFECT 2; Hyperphosphatasia with intellectual disability syndrome 1. Identifiers: Orphanet 247262, MedGen C4551502, MONDO:0009398, OMIM 239300.

Allele frequency attached by ClinVar (database versions not stated): TOPMed 0.00104; gnomAD exomes 0.00171 and 0.00139; 1000 Genomes Project 0.00080; gnomAD 0.00096 and 0.00094; 1000 Genomes Project 30x 0.00094; ExAC 0.00158.
gnomAD v4.1: 2,623 of 1,614,246 alleles (0.16%); highest among the groups gnomAD compares: Middle Eastern, 0.25%; 4 homozygotes.

Submissions (7):

Blueprint Genetics
Classification: Likely benign. Last evaluated: 2024-11-13. Review status: criteria provided, single submitter. Criteria: ACMG Guidelines, 2015. Collection method: clinical testing. Allele origin: germline.

CeGaT Center for Human Genetics Tuebingen
Classification: Likely benign. Last evaluated: 2023-03-01. Review status: criteria provided, single submitter. Criteria: CeGaT Center For Human Genetics Tuebingen Variant Classification Criteria Version 2. Collection method: clinical testing. Allele origin: germline. Affected: yes. Observed: 2 variant alleles.
Comment: PIGV: BP4, BP7

Center for Genomics, Ann and Robert H. Lurie Children's Hospital of Chicago
Classification: Likely benign for Hyperphosphatasia with impaired intellectual development syndrome 1. Last evaluated: 2022-07-12. Review status: criteria provided, single submitter. Criteria: ACMG Guidelines, 2015. Collection method: clinical testing. Allele origin: germline.
Comment: This variant has not been reported in the literature but is present in the Genome Aggregation Database (Highest reported MAF 0.1% (105/68046). This variant is present in ClinVar, with multiple labs classifying this variant as Likely Benign or Benign (Variation ID:297115). Evolutionary conservation and computational predictive tools for this variant are limited or unavailable. Of note, this variant is a silent variant and does not change the amino acid, reducing the probability that this variant is disease causing. In summary, data on this variant suggests that this variant does not cause disease but requires further evidence. Therefore, this variant is classified as likely benign.

Labcorp Genetics (formerly Invitae), Labcorp
Classification: Benign. Last evaluated: 2019-12-31. Review status: criteria provided, single submitter. Criteria: Invitae Variant Classification Sherloc (09022015). Collection method: clinical testing. Allele origin: germline.

Illumina Laboratory Services, Illumina
Classification: Uncertain significance for Hyperphosphatasia with impaired intellectual development syndrome 1. Last evaluated: 2018-01-13. Review status: criteria provided, single submitter. Criteria: ICSL Variant Classification Criteria 13 December 2019. Collection method: clinical testing. Allele origin: germline.

Laboratory for Molecular Medicine, Mass General Brigham Personalized Medicine
Classification: Likely benign. Last evaluated: 2016-03-29. Review status: criteria provided, single submitter. Criteria: LMM Criteria. Collection method: clinical testing. Allele origin: germline.
Comment: Variant identified in a genome or exome case(s) and assessed due to predicted null impact of the variant or pathogenic assertions in the literature or databases. Disclaimer: This variant has not undergone full assessment. These two variants result in c.348_349delinsAG. (p.Ile117Val).

PreventionGenetics, part of Exact Sciences
Classification: Likely benign for PIGV-related condition. Last evaluated: 2022-09-09. Review status: no assertion criteria provided. Collection method: clinical testing. Allele origin: germline. Not counted in ClinVar's aggregate classification.
Comment: This variant is classified as likely benign based on ACMG/AMP sequence variant interpretation guidelines (Richards et al. 2015 PMID: 25741868, with internal and published modifications).